The following is an entry in ClinVar:

ClinVar aggregate classification (germline): Uncertain significance (1 of 4 stars; one submission).

Conditions:
Hereditary breast ovarian cancer syndrome. Also called: Hereditary breast and ovarian cancer syndrome; Hereditary breast and ovarian cancer syndrome (HBOC); BRCA1- and BRCA2-Associated Hereditary Breast and Ovarian Cancer; Hereditary breast and ovarian cancer; Breast and ovarian cancer; Hereditary breast and/or ovarian cancer syndrome. Identifiers: Orphanet 145, MedGen C0677776, MeSH D061325, MONDO:0003582. Disease mechanism: loss of function.

Submission:

Labcorp Genetics (formerly Invitae), Labcorp
Classification: Uncertain significance for Hereditary breast ovarian cancer syndrome. Last evaluated: 2024-03-30. Review status: criteria provided, single submitter. Criteria: Invitae Variant Classification Sherloc (09022015). Collection method: clinical testing. Allele origin: germline.
Comment: This sequence change replaces asparagine, which is neutral and polar, with histidine, which is basic and polar, at codon 2930 of the BRCA2 protein (p.Asn2930His). This variant is not present in population databases (gnomAD no frequency). This variant has not been reported in the literature in individuals affected with BRCA2-related conditions. Advanced modeling of protein sequence and biophysical properties (such as structural, functional, and spatial information, amino acid conservation, physicochemical variation, residue mobility, and thermodynamic stability) performed at Invitae indicates that this missense variant is not expected to disrupt BRCA2 protein function with a negative predictive value of 95%. In summary, the available evidence is currently insufficient to determine the role of this variant in disease. Therefore, it has been classified as a Variant of Uncertain Significance.

NM_000059.4(BRCA2):c.8788A>C (p.Asn2930His)

Gene: BRCA2 (BRCA2 DNA repair associated; plus strand). Cytogenetic location: 13q13.1.
Variant type: single nucleotide variant.
Coding change: c.8788A>C on transcript NM_000059.4 (MANE Select); coding-DNA position 8788, A replaced by C.
Protein change: p.Asn2930His; replaces asparagine 2930 with histidine.
Molecular consequence: missense variant. On other transcripts: non-coding transcript variant (1).
Genome position (GRCh38, 1-based): chr13:32,379,350, A>C. VCF-style: chr13-32379350-A-C. GRCh37 (hg19) VCF-style: chr13-32953487-A-C.
Other names: c.8692A>C, p.Asn2898His (NM_001406719.1); c.8788A>C, p.Asn2930His (NM_001406720.1, NM_001432077.1); c.3856A>C, p.Asn1286His (NM_001406721.1); c.2371A>C, p.Asn791His (NM_001406722.1); short protein forms N791H, N1286H, N2930H, N2898H.
Identifiers: ClinVar variation 3636545 (VCV003636545.2).
Genomic context (GRCh38, chr13:32,379,350, plus strand): 5'-TTATTCCAATATCTTAAATGGTCACAGGGTTATTTCAGTGAAGAGCAGTTAAGAGCCTTG[A>C]ATAATCACAGGCAAATGTTGAATGATAAGAAACAAGCTCAGATCCAGTTGGAAATTAGGA-3'
Protein context (NP_000050.3, residues 2920-2940): YFSEEQLRAL[Asn2930His]NHRQMLNDKK